The following is an entry in ClinVar:

NM_024989.4(PGAP1):c.386A>G (p.Asn129Ser)

Gene: PGAP1 (post-GPI attachment to proteins inositol deacylase 1; minus strand). Cytogenetic location: 2q33.1.
Variant type: single nucleotide variant.
Coding change: c.386A>G on transcript NM_024989.4 (MANE Select); coding-DNA position 386, A replaced by G.
Protein change: p.Asn129Ser; replaces asparagine 129 with serine.
Molecular consequence: missense variant. On other transcripts: 5 prime UTR variant (2).
Genome position (GRCh38, 1-based): chr2:196,916,509, T>C on the plus strand (A>G on the coding strand, the complement: PGAP1 is on the minus strand). VCF-style: chr2-196916509-T-C. GRCh37 (hg19) VCF-style: chr2-197781233-T-C.
Other names: c.-137A>G (NM_001321099.2); c.-726A>G (NM_001321100.2); c.386A>G (NM_024989.3); short protein forms N129S.
Identifiers: ClinVar variation 1965164 (VCV001965164.7), dbSNP rs113308965, ClinGen allele CA2041216.

ClinVar aggregate classification (germline): Uncertain significance. Review status: criteria provided, multiple submitters, no conflicts (2 of 4 stars). 2 submissions from 2 submitters: Uncertain significance (2). Last evaluated 2023-02-16.

Conditions:
Inborn genetic diseases. Identifiers: MedGen C0950123, MeSH D030342.
Intellectual disability, autosomal recessive 42 (NEDDSBA). Also called: Neurodevelopmental disorder with dysmorphic features, spasticity, and brain abnormalities; GLYCOSYLPHOSPHATIDYLINOSITOL BIOSYNTHESIS DEFECT 9. Identifiers: Orphanet 88616, MedGen C4014343, MONDO:0014348, OMIM 615802.

Allele frequency attached by ClinVar (database versions not stated): gnomAD 0.00005; TOPMed 0.00005; gnomAD exomes 0.00006; ExAC 0.00009.
gnomAD v4.1: 98 of 1,613,556 alleles (0.0061%); highest among the groups gnomAD compares: South Asian, 0.052%; 1 homozygote.

Submissions (2):

Ambry Genetics
Classification: Uncertain significance for Inborn genetic diseases. Last evaluated: 2023-02-16. Review status: criteria provided, single submitter. Criteria: Ambry Variant Classification Scheme 2023. Collection method: clinical testing. Allele origin: germline.

Labcorp Genetics (formerly Invitae), Labcorp
Classification: Uncertain significance for Intellectual disability, autosomal recessive 42. Last evaluated: 2022-04-04. Review status: criteria provided, single submitter. Criteria: Invitae Variant Classification Sherloc (09022015). Collection method: clinical testing. Allele origin: germline.
Comment: Algorithms developed to predict the effect of missense changes on protein structure and function are either unavailable or do not agree on the potential impact of this missense change (SIFT: "Deleterious"; PolyPhen-2: "Probably Damaging"; Align-GVGD: "Class C15"). This variant has not been reported in the literature in individuals affected with PGAP1-related conditions. This variant is present in population databases (rs113308965, gnomAD 0.04%), including at least one homozygous and/or hemizygous individual. This sequence change replaces asparagine, which is neutral and polar, with serine, which is neutral and polar, at codon 129 of the PGAP1 protein (p.Asn129Ser). Algorithms developed to predict the effect of sequence changes on RNA splicing suggest that this variant may create or strengthen a splice site. In summary, the available evidence is currently insufficient to determine the role of this variant in disease. Therefore, it has been classified as a Variant of Uncertain Significance.